The following is an entry in ClinVar:

NM_000195.5(HPS1):c.487del (p.Glu163fs)

Gene: HPS1 (HPS1 biogenesis of lysosomal organelles complex 3 subunit 1; minus strand). Cytogenetic location: 10q24.2.
Variant type: Deletion.
Coding change: c.487del on transcript NM_000195.5 (MANE Select); coding-DNA position 487, one base deleted (G; older notation c.487delG).
Protein change: p.Glu163fs; shifts the reading frame from glutamic acid 163.
Molecular consequence: frameshift variant. On other transcripts: 5 prime UTR variant (3).
Genome position (GRCh38, 1-based): chr10:98,434,003, C deleted on the plus strand (G on the coding strand, the reverse complement: HPS1 is on the minus strand); the first of 2 consecutive C bases (chr10:98,434,003-98,434,004); deleting either gives the same sequence. VCF-style (leftmost placement, unchanged base first): chr10-98434002-TC-T. GRCh37 (hg19) VCF-style: chr10-100193759-TC-T.
Other names: c.-430del (NM_001311345.2, NM_001322489.2); c.487del, p.Glu163fs (NM_001322476.2, NM_001322477.2, NM_001322478.2 and 5 more transcripts); c.344del, p.Gly115fs (NM_001322480.2, NM_001322481.2, NM_001322482.2); c.118del, p.Glu40fs (NM_001322483.2, NM_001322484.2, NM_001322485.2); c.-529del (NM_001322487.2); short protein forms E163fs, E40fs, G115fs.
Identifiers: ClinVar variation 5014773 (VCV005014773.1).
Genomic context (GRCh38, chr10:98,434,002, plus strand): 5'-GACAGCTTCAAGTCCTGAGGACTCCCGCGCCCAGTAGTCACCTCCACGGCGAAGCACTGC[TC>T]CTGCTCCCGCAGGCGGCTGTAGGTCCACAGCAGGCTCTGGAAGTGCTCCCACAGCTGGAC-3'

ClinVar aggregate classification (germline): Pathogenic (1 of 4 stars; one submission).

Conditions:
Hermansky-Pudlak syndrome 1 (HPS1). Also called: DELTA STORAGE POOL DISEASE. Identifiers: Orphanet 231500, Orphanet 79430, MedGen C2931875, MONDO:0008748, OMIM 203300.

Submission:

Myriad Genetics, Inc.
Classification: Pathogenic for Hermansky-Pudlak syndrome 1. Last evaluated: 2025-07-24. Review status: criteria provided, single submitter. Criteria: Myriad Autosomal Dominant, Autosomal Recessive and X-Linked Classification Criteria (2023). Collection method: clinical testing. Allele origin: unknown.
Comment: NM_000195.3(HPS1):c.487delG(E163Sfs*12) is expected to be pathogenic in the context of Hermansky-Pudlak syndrome, HPS1-related. This variant is predicted to lead to an abnormal or absent protein product due to the creation of a premature termination codon in HPS1, a gene where loss-of-function variants are known to be pathogenic. Please note: this variant was assessed in the context of healthy population screening.